The following is an entry in ClinVar:

ClinVar aggregate classification (germline): Conflicting classifications of pathogenicity. Review status: criteria provided, conflicting classifications (1 of 4 stars). 3 submissions from 3 submitters: Uncertain significance (2); Benign (1). Last evaluated 2025-12-16.

Conditions:
CACNA1E-related disorder. Also called: CACNA1E-related condition.
Inborn genetic diseases. Identifiers: MedGen C0950123, MeSH D030342.

Allele frequency attached by ClinVar (database versions not stated): TOPMed below 0.00001; gnomAD 0.00001.
gnomAD v4.1: 9 of 1,589,606 alleles (0.00057%); highest among the groups gnomAD compares: Non-Finnish European, 0.00078%; no homozygotes.

Submissions (3):

Labcorp Genetics (formerly Invitae), Labcorp
Classification: Benign. Last evaluated: 2025-12-16. Review status: criteria provided, single submitter. Criteria: Invitae Variant Classification Sherloc (09022015). Collection method: clinical testing. Allele origin: germline.

PreventionGenetics, part of Exact Sciences
Classification: Uncertain significance for CACNA1E-related condition. Last evaluated: 2025-09-16. Review status: criteria provided, single submitter. Criteria: ACMG Guidelines, 2015. Collection method: clinical testing. Allele origin: germline.
Comment: The CACNA1E c.1216G>A variant is predicted to result in the amino acid substitution p.Ala406Thr. To our knowledge, this variant has not been reported in the literature or in a large population database (gnomAD), indicating this variant is rare. Although we suspect that this variant may be benign, at this time, the clinical significance of this variant is uncertain due to the absence of conclusive functional and genetic evidence.

Ambry Genetics
Classification: Uncertain significance for Inborn genetic diseases. Last evaluated: 2024-05-02. Review status: criteria provided, single submitter. Criteria: Ambry Variant Classification Scheme 2023. Collection method: clinical testing. Allele origin: germline.

NM_001205293.3(CACNA1E):c.1216G>A (p.Ala406Thr)

Gene: CACNA1E (calcium voltage-gated channel subunit alpha1 E; plus strand). Cytogenetic location: 1q25.3.
Variant type: single nucleotide variant.
Coding change: c.1216G>A on transcript NM_001205293.3 (MANE Select); coding-DNA position 1216, G replaced by A.
Protein change: p.Ala406Thr; replaces alanine 406 with threonine.
Molecular consequence: missense variant.
Genome position (GRCh38, 1-based): chr1:181,715,382, G>A. VCF-style: chr1-181715382-G-A. GRCh37 (hg19) VCF-style: chr1-181684518-G-A.
Other names: c.1216G>A (NM_001205293.1, NM_000721.3); c.1216G>A, p.Ala406Thr (NM_000721.4, NM_001205294.2); short protein forms A406T.
Identifiers: ClinVar variation 1921732 (VCV001921732.7), dbSNP rs1305652887, ClinGen allele CA343623568.